The following is an entry in ClinVar:

NM_024577.4(SH3TC2):c.2331C>A (p.Ile777=)

Gene: SH3TC2 (SH3 domain and tetratricopeptide repeats 2; minus strand). Cytogenetic location: 5q32.
Variant type: single nucleotide variant.
Coding change: c.2331C>A on transcript NM_024577.4 (MANE Select); coding-DNA position 2331, C replaced by A.
Protein change: p.Ile777=; no amino-acid change (isoleucine 777 retained).
Molecular consequence: synonymous variant.
Genome position (GRCh38, 1-based): chr5:149,027,401, G>T on the plus strand (C>A on the coding strand, the complement: SH3TC2 is on the minus strand). VCF-style: chr5-149027401-G-T. GRCh37 (hg19) VCF-style: chr5-148406964-G-T.
Identifiers: ClinVar variation 2891993 (VCV002891993.4), dbSNP rs1180600715, ClinGen allele CA447399146.

ClinVar aggregate classification (germline): Likely benign. Review status: criteria provided, multiple submitters, no conflicts (2 of 4 stars). 2 submissions from 2 submitters: Likely benign (2). Last evaluated 2024-11-25.

Conditions:
Charcot-Marie-Tooth disease type 4. Also called: Charcot-Marie-Tooth disease, type IV; Charcot-Marie-Tooth, Type 4. Identifiers: Orphanet 64749, MedGen C4082197, MONDO:0018995.

Allele frequency attached by ClinVar (database versions not stated): TOPMed 0.00001.
gnomAD v4.1: 1 of 1,614,146 alleles (0.000062%); highest among the groups gnomAD compares: Admixed American, 0.0017%; no homozygotes.

Submissions (2):

Women's Health and Genetics/Laboratory Corporation of America, LabCorp
Classification: Likely benign. Last evaluated: 2024-11-25. Review status: criteria provided, single submitter. Criteria: LabCorp Variant Classification Summary - May 2015. Collection method: clinical testing. Allele origin: germline.
Comment: Variant summary: SH3TC2 c.2331C>A alters a conserved nucleotide resulting in a synonymous change. Consensus agreement among computation tools predict no significant impact on normal splicing. However, these predictions have yet to be confirmed by functional studies. The variant allele was found at a frequency of 4e-06 in 251272 control chromosomes. The available data on variant occurrences in the general population are insufficient to allow any conclusion about variant significance. To our knowledge, no occurrence of c.2331C>A in individuals affected with Charcot-Marie-Tooth disease type 4C and no experimental evidence demonstrating its impact on protein function have been reported. No submitters have cited clinical-significance assessments for this variant to ClinVar. Based on the evidence outlined above, the variant was classified as likely benign.

Labcorp Genetics (formerly Invitae), Labcorp
Classification: Likely benign for Charcot-Marie-Tooth disease type 4. Last evaluated: 2022-11-11. Review status: criteria provided, single submitter. Criteria: Invitae Variant Classification Sherloc (09022015). Collection method: clinical testing. Allele origin: germline.